The following is an entry in ClinVar:

ClinVar aggregate classification (germline): Pathogenic (1 of 4 stars; one submission).

Conditions:
Combined oxidative phosphorylation defect type 7. Identifiers: Orphanet 254930, MedGen C3150801, MONDO:0013306, OMIM 613559.
Spastic paraplegia. Identifiers: MedGen C0037772, HP:0001258.

Submission:

Labcorp Genetics (formerly Invitae), Labcorp
Classification: Pathogenic for Combined oxidative phosphorylation defect type 7; Spastic paraplegia. Last evaluated: 2023-04-17. Review status: criteria provided, single submitter. Criteria: Invitae Variant Classification Sherloc (09022015). Collection method: clinical testing. Allele origin: germline.
Comment: For these reasons, this variant has been classified as Pathogenic. This variant disrupts a region of the C12orf65 protein in which other variant(s) (p.Arg132*) have been determined to be pathogenic (PMID: 23188110, 28091420, 30369941, 31753091). This suggests that this is a clinically significant region of the protein, and that variants that disrupt it are likely to be disease-causing. This sequence change creates a premature translational stop signal (p.Val65Alafs*42) in the C12orf65 gene. While this is not anticipated to result in nonsense mediated decay, it is expected to disrupt the last 102 amino acid(s) of the C12orf65 protein. This variant is not present in population databases (gnomAD no frequency). This variant has not been reported in the literature in individuals affected with C12orf65-related conditions.

Literature cited by the submitters: PubMed 23188110; PubMed 28091420; PubMed 30369941; PubMed 31753091.

NM_152269.5(MTRFR):c.193_194insCGAAAGCAGTTTG (p.Val65fs)

Gene: MTRFR (mitochondrial translation release factor in rescue; plus strand). Cytogenetic location: 12q24.31.
Variant type: Insertion.
Coding change: c.193_194insCGAAAGCAGTTTG on transcript NM_152269.5 (MANE Select); coding-DNA positions 193 to 194, CGAAAGCAGTTTG inserted.
Protein change: p.Val65fs; shifts the reading frame from valine 65.
Molecular consequence: frameshift variant.
Genome position: GRCh38 VCF-style: chr12-123253858-G-GAGCAGTTTGCGAA. GRCh37 (hg19) VCF-style: chr12-123738405-G-GAGCAGTTTGCGAA.
Other names: c.193_194insCGAAAGCAGTTTG, p.Val65fs (NM_001143905.2, NM_001194995.1); short protein forms V65fs.
Identifiers: ClinVar variation 2921346 (VCV002921346.3), dbSNP rs1460180114, ClinGen allele CA684680390.